The following is an entry in ClinVar:

ClinVar aggregate classification (germline): Uncertain significance (1 of 4 stars; one submission).

Submission:

Labcorp Genetics (formerly Invitae), Labcorp
Classification: Uncertain significance. Last evaluated: 2024-05-05. Review status: criteria provided, single submitter. Criteria: Invitae Variant Classification Sherloc (09022015). Collection method: clinical testing. Allele origin: germline.
Comment: This sequence change replaces valine, which is neutral and non-polar, with glycine, which is neutral and non-polar, at codon 604 of the TNNI3K protein (p.Val604Gly). This variant is not present in population databases (gnomAD no frequency). This variant has not been reported in the literature in individuals affected with TNNI3K-related conditions. An algorithm developed to predict the effect of missense changes on protein structure and function (PolyPhen-2) suggests that this variant is likely to be disruptive. In summary, the available evidence is currently insufficient to determine the role of this variant in disease. Therefore, it has been classified as a Variant of Uncertain Significance.

NM_015978.3(TNNI3K):c.1811T>G (p.Val604Gly)

Genes: FPGT-TNNI3K (FPGT-TNNI3K readthrough; plus strand), TNNI3K (TNNI3 interacting kinase; plus strand). Cytogenetic location: 1p31.1.
Variant type: single nucleotide variant.
Coding change: c.1811T>G on transcript NM_015978.3 (MANE Select); coding-DNA position 1811, T replaced by G.
Protein change: p.Val604Gly; replaces valine 604 with glycine.
Molecular consequence: missense variant.
Genome position (GRCh38, 1-based): chr1:74,436,118, T>G. VCF-style: chr1-74436118-T-G. GRCh37 (hg19) VCF-style: chr1-74901802-T-G.
Other names: c.2114T>G, p.Val705Gly (NM_001112808.3, NM_001199327.2); short protein forms V604G, V705G.
Identifiers: ClinVar variation 3652242 (VCV003652242.2).